The following is an entry in ClinVar:

NM_001329943.3(KIAA0586):c.2015C>G (p.Pro672Arg)

Gene: KIAA0586 (KIAA0586; plus strand). Cytogenetic location: 14q23.1.
Variant type: single nucleotide variant.
Coding change: c.2015C>G on transcript NM_001329943.3 (MANE Select); coding-DNA position 2015, C replaced by G.
Protein change: p.Pro672Arg; replaces proline 672 with arginine.
Molecular consequence: missense variant.
Genome position (GRCh38, 1-based): chr14:58,461,116, C>G. VCF-style: chr14-58461116-C-G. GRCh37 (hg19) VCF-style: chr14-58927834-C-G.
Other names: c.1787C>G (NM_014749.3); c.2174C>G (NM_001244189.1); c.2174C>G, p.Pro725Arg (NM_001244189.2); c.1970C>G, p.Pro657Arg (NM_001244190.2); c.1760C>G, p.Pro587Arg (NM_001244191.2, NM_001329945.2, NM_001364700.1 and 1 more transcripts); c.1883C>G, p.Pro628Arg (NM_001244192.2); c.1595C>G, p.Pro532Arg (NM_001244193.2); c.2015C>G, p.Pro672Arg (NM_001329944.2, NM_001329946.2, NM_001329947.2); and 1 more; short protein forms P587R, P532R, P672R, P725R, P596R, P657R, P628R.
Identifiers: ClinVar variation 1439930 (VCV001439930.11), dbSNP rs749825699, ClinGen allele CA7205751.

ClinVar aggregate classification (germline): Uncertain significance. Review status: criteria provided, multiple submitters, no conflicts (2 of 4 stars). 5 submissions from 5 submitters: Uncertain significance (5). Last evaluated 2025-03-17.

Conditions:
Short-rib thoracic dysplasia 14 with polydactyly (SRTD14). Identifiers: Orphanet 397715, MedGen C4225286, MONDO:0014688, OMIM 616546.
Joubert syndrome 23 (JBTS23). Identifiers: Orphanet 475, MedGen C4084822, MONDO:0014664, OMIM 616490.
Inborn genetic diseases. Identifiers: MedGen C0950123, MeSH D030342.

Allele frequency attached by ClinVar (database versions not stated): ExAC 0.00002; gnomAD exomes 0.00002; gnomAD 0.00003 and 0.00004; TOPMed 0.00006.
gnomAD v4.1: 77 of 1,609,810 alleles (0.0048%); highest among the groups gnomAD compares: Non-Finnish European, 0.0063%; no homozygotes.

Submissions (5):

Labcorp Genetics (formerly Invitae), Labcorp
Classification: Uncertain significance for Joubert syndrome 23; Short-rib thoracic dysplasia 14 with polydactyly. Last evaluated: 2025-03-17. Review status: criteria provided, single submitter. Criteria: Invitae Variant Classification Sherloc (09022015). Collection method: clinical testing. Allele origin: germline.
Comment: This sequence change replaces proline, which is neutral and non-polar, with arginine, which is basic and polar, at codon 725 of the KIAA0586 protein (p.Pro725Arg). This variant is present in population databases (rs749825699, gnomAD 0.006%). This variant has not been reported in the literature in individuals affected with KIAA0586-related conditions. ClinVar contains an entry for this variant (Variation ID: 1439930). Invitae Evidence Modeling of protein sequence and biophysical properties (such as structural, functional, and spatial information, amino acid conservation, physicochemical variation, residue mobility, and thermodynamic stability) has been performed for this missense variant. However, the output from this modeling did not meet the statistical confidence thresholds required to predict the impact of this variant on KIAA0586 protein function. In summary, the available evidence is currently insufficient to determine the role of this variant in disease. Therefore, it has been classified as a Variant of Uncertain Significance.

GeneDx
Classification: Uncertain significance. Last evaluated: 2024-12-31. Review status: criteria provided, single submitter. Criteria: GeneDx Variant Classification Process June 2021. Collection method: clinical testing. Allele origin: germline. Affected: yes.
Comment: In silico analysis supports that this missense variant has a deleterious effect on protein structure/function; Has not been previously published as pathogenic or benign to our knowledge

Ambry Genetics
Classification: Uncertain significance for Inborn genetic diseases. Last evaluated: 2024-05-28. Review status: criteria provided, single submitter. Criteria: Ambry Variant Classification Scheme 2023. Collection method: clinical testing. Allele origin: germline.

Blueprint Genetics
Classification: Uncertain significance. Last evaluated: 2023-02-22. Review status: criteria provided, single submitter. Criteria: ACMG Guidelines, 2015. Collection method: clinical testing. Allele origin: germline.

Breakthrough Genomics
Classification: Uncertain significance. Review status: criteria provided, single submitter. Criteria: ACMG Guidelines, 2015. Collection method: not provided. Allele origin: germline. Inheritance: Autosomal recessive inheritance. Affected: yes.